The following is an entry in ClinVar:

NM_001386795.1(DTNA):c.1758C>T (p.Gly586=)

Gene: DTNA (dystrobrevin alpha; plus strand). Cytogenetic location: 18q12.1.
Variant type: single nucleotide variant.
Coding change: c.1758C>T on transcript NM_001386795.1 (MANE Select); coding-DNA position 1758, C replaced by T.
Protein change: p.Gly586=; no amino-acid change (glycine 586 retained).
Molecular consequence: synonymous variant.
Genome position (GRCh38, 1-based): chr18:34,875,253, C>T. VCF-style: chr18-34875253-C-T. GRCh37 (hg19) VCF-style: chr18-32455217-C-T.
Other names: c.1497C>T, p.Gly499= (NM_001198938.2, NM_001198940.2, NM_001386753.1 and 5 more transcripts); c.1518C>T, p.Gly506= (NM_001198939.2); c.804C>T, p.Gly268= (NM_001198942.1); c.747C>T, p.Gly249= (NM_001198943.1); c.633C>T, p.Gly211= (NM_001198944.1); c.1587C>T, p.Gly529= (NM_001386754.1, NM_001386755.1, NM_001386756.1 and 3 more transcripts); c.1584C>T, p.Gly528= (NM_001386760.1); c.1506C>T, p.Gly502= (NM_001386761.1, NM_032975.4); and 5 more.
Identifiers: ClinVar variation 383846 (VCV000383846.2), dbSNP rs1057521757, ClinGen allele CA16607934.

ClinVar aggregate classification (germline): Likely benign. Review status: criteria provided, multiple submitters, no conflicts (2 of 4 stars). 2 submissions from 2 submitters: Likely benign (2). Last evaluated 2025-10-28.

Conditions:
Left ventricular noncompaction 1 (LVNC1). Also called: LEFT VENTRICULAR NONCOMPACTION 1 WITH OR WITHOUT CONGENITAL HEART DEFECTS. Identifiers: Orphanet 54260, MedGen C1858725, MONDO:0011403, OMIM 604169.

Allele frequency attached by ClinVar (database versions not stated): gnomAD exomes below 0.00001; gnomAD 0.00001; TOPMed 0.00002.
gnomAD v4.1: 3 of 1,613,902 alleles (0.00019%); highest among the groups gnomAD compares: African/African-American, 0.004%; no homozygotes.

Submissions (2):

Labcorp Genetics (formerly Invitae), Labcorp
Classification: Likely benign for Left ventricular noncompaction 1. Last evaluated: 2025-10-28. Review status: criteria provided, single submitter. Criteria: Invitae Variant Classification Sherloc (09022015). Collection method: clinical testing. Allele origin: germline.

GeneDx
Classification: Likely benign. Last evaluated: 2016-02-16. Review status: criteria provided, single submitter. Criteria: GeneDx Variant Classification (06012015). Collection method: clinical testing. Allele origin: germline. Affected: yes.
Comment: This variant is considered likely benign or benign based on one or more of the following criteria: it is a conservative change, it occurs at a poorly conserved position in the protein, it is predicted to be benign by multiple in silico algorithms, and/or has population frequency not consistent with disease.